The following is an entry in ClinVar:

ClinVar aggregate classification (germline): Likely benign. Review status: criteria provided, multiple submitters, no conflicts (2 of 4 stars). 3 submissions from 3 submitters: Likely benign (2). 1 of the submissions does not count toward it. Last evaluated 2022-07-19.

Conditions:
Long QT syndrome (LQTS). Identifiers: MedGen C0023976, MeSH D008133, MONDO:0002442. Disease mechanism: loss of function. Inheritance: Various modes of inheritance.
AKAP9-related disorder. Also called: AKAP9-related condition.
Cardiovascular phenotype. Identifiers: MedGen CN230736.

Allele frequency attached by ClinVar (database versions not stated): gnomAD 0.00001; ExAC 0.00002; gnomAD exomes 0.00002; TOPMed 0.00003; ESP Exome Variant Server 0.00008.
gnomAD v4.1: 57 of 1,613,726 alleles (0.0035%); highest among the groups gnomAD compares: Non-Finnish European, 0.004%; no homozygotes.

Submissions (3):

Labcorp Genetics (formerly Invitae), Labcorp
Classification: Likely benign for Long QT syndrome. Last evaluated: 2022-07-19. Review status: criteria provided, single submitter. Criteria: Invitae Variant Classification Sherloc (09022015). Collection method: clinical testing. Allele origin: germline.

Ambry Genetics
Classification: Likely benign for Cardiovascular phenotype. Last evaluated: 2021-07-11. Review status: criteria provided, single submitter. Criteria: Ambry Variant Classification Scheme 2023. Collection method: clinical testing. Allele origin: germline.

PreventionGenetics, part of Exact Sciences
Classification: Likely benign for AKAP9-related condition. Last evaluated: 2019-11-11. Review status: no assertion criteria provided. Collection method: clinical testing. Allele origin: germline. Not counted in ClinVar's aggregate classification.
Comment: This variant is classified as likely benign based on ACMG/AMP sequence variant interpretation guidelines (Richards et al. 2015 PMID: 25741868, with internal and published modifications).

NM_005751.5(AKAP9):c.5358A>G (p.Glu1786=)

Gene: AKAP9 (A-kinase anchoring protein 9; plus strand). Cytogenetic location: 7q21.2.
Variant type: single nucleotide variant.
Coding change: c.5358A>G on transcript NM_005751.5 (MANE Select); coding-DNA position 5358, A replaced by G.
Protein change: p.Glu1786=; no amino-acid change (glutamic acid 1786 retained).
Molecular consequence: synonymous variant.
Genome position (GRCh38, 1-based): chr7:92,045,203, A>G. VCF-style: chr7-92045203-A-G. GRCh37 (hg19) VCF-style: chr7-91674517-A-G.
Other names: c.5358A>G, p.Glu1786= (NM_147185.3).
Identifiers: ClinVar variation 1153560 (VCV001153560.13), dbSNP rs371133254, ClinGen allele CA4336772.
Genomic context (GRCh38, chr7:92,045,203, plus strand): 5'-TGCCAGCCTAATTTGGAGGTCAGAAGCAGAGGCATCTGTAAAGTCATGTGTCCATGAGGA[A>G]CATACAAGAGGTACTAGTTTTCTGTGTTGTGGAAACAATCATTTCAACAAATCTGCTGAG-3'
Protein context (NP_005742.4, residues 1776-1796): EASVKSCVHE[Glu1786=]HTRVTDESIP